The following is an entry in ClinVar:

ClinVar aggregate classification (germline): Uncertain significance. Review status: criteria provided, multiple submitters, no conflicts (2 of 4 stars). 2 submissions from 2 submitters: Uncertain significance (2). Last evaluated 2024-04-19.

Conditions:
Nephrotic syndrome, type 10 (NPHS10). Identifiers: MedGen C4014507, MONDO:0014373, OMIM 615861.

Allele frequency attached by ClinVar (database versions not stated): gnomAD exomes 0.00002; ExAC 0.00007; gnomAD 0.00023; TOPMed 0.00028; 1000 Genomes Project 30x 0.00031; 1000 Genomes Project 0.00040.
gnomAD v4.1: 59 of 1,612,048 alleles (0.0037%); highest among the groups gnomAD compares: African/African-American, 0.077%; no homozygotes.

Submissions (2):

Clinical Genomics Laboratory, Washington University in St. Louis
Classification: Uncertain significance for Nephrotic syndrome, type 10. Last evaluated: 2024-04-19. Review status: criteria provided, single submitter. Criteria: ACMG Guidelines, 2015. Collection method: clinical testing. Allele origin: germline.
Comment: The EMP2 c.427T>C (p.Tyr143His) variant, to our knowledge, has not been reported in the medical literature. This variant has been reported in the ClinVar database as a germline variant of uncertain significance by one submitter (ClinVar Variation ID: 2180054). This variant is only observed on 14/281,058 alleles in the general population (gnomAD v.2.1.1), indicating it is not a common variant. Computational predictors suggest that the variant is damaging evidence that correlates with impact on EMP2 function. Due to limited information, and based on ACMG/AMP guidelines for variant interpretation (Richards S et al., PMID: 25741868), this variant is classified as being of uncertain significance at this time.

Labcorp Genetics (formerly Invitae), Labcorp
Classification: Uncertain significance. Last evaluated: 2022-06-28. Review status: criteria provided, single submitter. Criteria: Invitae Variant Classification Sherloc (09022015). Collection method: clinical testing. Allele origin: germline.
Comment: This sequence change replaces tyrosine, which is neutral and polar, with histidine, which is basic and polar, at codon 143 of the EMP2 protein (p.Tyr143His). This variant is present in population databases (rs61731467, gnomAD 0.06%). This variant has not been reported in the literature in individuals affected with EMP2-related conditions. Algorithms developed to predict the effect of missense changes on protein structure and function (SIFT, PolyPhen-2, Align-GVGD) all suggest that this variant is likely to be disruptive. In summary, the available evidence is currently insufficient to determine the role of this variant in disease. Therefore, it has been classified as a Variant of Uncertain Significance.

NM_001424.6(EMP2):c.427T>C (p.Tyr143His)

Gene: EMP2 (epithelial membrane protein 2; minus strand). Cytogenetic location: 16p13.13.
Variant type: single nucleotide variant.
Coding change: c.427T>C on transcript NM_001424.6 (MANE Select); coding-DNA position 427, T replaced by C.
Protein change: p.Tyr143His; replaces tyrosine 143 with histidine.
Molecular consequence: missense variant.
Genome position (GRCh38, 1-based): chr16:10,532,982, A>G on the plus strand (T>C on the coding strand, the complement: EMP2 is on the minus strand). VCF-style: chr16-10532982-A-G. GRCh37 (hg19) VCF-style: chr16-10626839-A-G.
Other names: short protein forms Y143H.
Identifiers: ClinVar variation 2180054 (VCV002180054.2), dbSNP rs61731467, ClinGen allele CA7897734.